The following is an entry in ClinVar:

NM_182914.3(SYNE2):c.3823T>C (p.Cys1275Arg)

Gene: SYNE2 (spectrin repeat containing nuclear envelope protein 2; plus strand). Cytogenetic location: 14q23.2.
Variant type: single nucleotide variant.
Coding change: c.3823T>C on transcript NM_182914.3 (MANE Select); coding-DNA position 3823, T replaced by C.
Protein change: p.Cys1275Arg; replaces cysteine 1275 with arginine.
Molecular consequence: missense variant.
Genome position (GRCh38, 1-based): chr14:64,002,756, T>C. VCF-style: chr14-64002756-T-C. GRCh37 (hg19) VCF-style: chr14-64469474-T-C.
Other names: c.3823T>C, p.Cys1275Arg (NM_015180.6); short protein forms C1275R.
Identifiers: ClinVar variation 1440808 (VCV001440808.6), dbSNP rs2096765246, ClinGen allele CA389996300.
Genomic context (GRCh38, chr14:64,002,756, plus strand): 5'-TAGCTTTTCTTATCTTTATTTTAGAATATCCAAGATTCCATAGCAAAACAGATTGAAATA[T>C]GTAACCGCTTAGAAGAGCCAGGCAACTTTGTATTAAAGGAGTTACACCCATTTGATCTAC-3'
Protein context (NP_878918.2, residues 1265-1285): QDSIAKQIEI[Cys1275Arg]NRLEEPGNFV

ClinVar aggregate classification (germline): Uncertain significance (1 of 4 stars; one submission).

Conditions:
Emery-Dreifuss muscular dystrophy 5, autosomal dominant (EDMD5). Also called: EMERY-DREIFUSS MUSCULAR DYSTROPHY 5. Identifiers: Orphanet 261, MedGen C2751805, MONDO:0013072, OMIM 612999.

Allele frequency attached by ClinVar (database versions not stated): gnomAD exomes below 0.00001; TOPMed below 0.00001; gnomAD 0.00002.
gnomAD v4.1: 9 of 1,613,450 alleles (0.00056%); highest among the groups gnomAD compares: Non-Finnish European, 0.00076%; no homozygotes.

Submission:

Labcorp Genetics (formerly Invitae), Labcorp
Classification: Uncertain significance for Emery-Dreifuss muscular dystrophy 5, autosomal dominant. Last evaluated: 2021-08-21. Review status: criteria provided, single submitter. Criteria: Invitae Variant Classification Sherloc (09022015). Collection method: clinical testing. Allele origin: germline.
Comment: This sequence change replaces cysteine with arginine at codon 1275 of the SYNE2 protein (p.Cys1275Arg). The cysteine residue is weakly conserved and there is a large physicochemical difference between cysteine and arginine. This variant is not present in population databases (ExAC no frequency). In summary, the available evidence is currently insufficient to determine the role of this variant in disease. Therefore, it has been classified as a Variant of Uncertain Significance. Algorithms developed to predict the effect of missense changes on protein structure and function are either unavailable or do not agree on the potential impact of this missense change (SIFT: "Deleterious"; PolyPhen-2: "Probably Damaging"; Align-GVGD: "Class C0"). This variant has not been reported in the literature in individuals affected with SYNE2-related conditions.